The following is an entry in ClinVar:

NM_006031.6(PCNT):c.5116-3C>T

Gene: PCNT (pericentrin; plus strand). Cytogenetic location: 21q22.3.
Variant type: single nucleotide variant.
Coding change: c.5116-3C>T on transcript NM_006031.6 (MANE Select); 3 bases into the intron before coding-DNA position 5116, C replaced by T.
Molecular consequence: intron variant.
Genome position (GRCh38, 1-based): chr21:46,411,186, C>T. VCF-style: chr21-46411186-C-T. GRCh37 (hg19) VCF-style: chr21-47831100-C-T.
Other names: c.4762-3C>T (NM_001315529.2).
Identifiers: ClinVar variation 2419072 (VCV002419072.2), dbSNP rs554862288, ClinGen allele CA10079902.

ClinVar aggregate classification (germline): Uncertain significance (1 of 4 stars; one submission).

Allele frequency attached by ClinVar (database versions not stated): TOPMed 0.00001; gnomAD 0.00003; gnomAD exomes 0.00005; ExAC 0.00011; 1000 Genomes Project 30x 0.00016; 1000 Genomes Project 0.00020.
gnomAD v4.1: 71 of 1,613,714 alleles (0.0044%); highest among the groups gnomAD compares: South Asian, 0.077%; 1 homozygote.

Submission:

Labcorp Genetics (formerly Invitae), Labcorp
Classification: Uncertain significance. Last evaluated: 2022-07-27. Review status: criteria provided, single submitter. Criteria: Invitae Variant Classification Sherloc (09022015). Collection method: clinical testing. Allele origin: germline.
Comment: This sequence change falls in intron 27 of the PCNT gene. It does not directly change the encoded amino acid sequence of the PCNT protein. It affects a nucleotide within the consensus splice site. This variant is present in population databases (rs554862288, gnomAD 0.07%). This variant has not been reported in the literature in individuals affected with PCNT-related conditions. Variants that disrupt the consensus splice site are a relatively common cause of aberrant splicing (PMID: 17576681, 9536098). Algorithms developed to predict the effect of sequence changes on RNA splicing suggest that this variant is not likely to affect RNA splicing. In summary, the available evidence is currently insufficient to determine the role of this variant in disease. Therefore, it has been classified as a Variant of Uncertain Significance.

Literature cited by the submitters: PubMed 17576681; PubMed 9536098.